The following is an entry in ClinVar:

ClinVar aggregate classification (germline): Benign/Likely benign. Review status: criteria provided, multiple submitters, no conflicts (2 of 4 stars). 19 submissions from 17 submitters: Benign (12); Likely benign (4). 3 of the submissions do not count toward it. Last evaluated 2026-06-04.

Conditions:
Hereditary cancer-predisposing syndrome. Also called: Hereditary Cancer Syndrome; Tumor predisposition; Hereditary neoplastic syndrome; Neoplastic Syndromes, Hereditary. Identifiers: Orphanet 140162, MedGen C0027672, MeSH D009386, MONDO:0015356.
Mastocytosis. Also called: Mast Cell Disease. Identifiers: Orphanet 98292, MedGen C0024899, MONDO:0007950, HP:0100495.
Gastrointestinal stromal tumor. Also called: Gastrointestinal stromal tumor, somatic; Gastrointestinal stroma tumor. Identifiers: Orphanet 44890, MedGen C0238198, MeSH D046152, MONDO:0011719, OMIM 606764, HP:0100723.
Piebaldism. Also called: Piebald skin depigmentation. Identifiers: Orphanet 2884, MedGen C0080024, MONDO:0008244, OMIM 172800, HP:0007544.

Allele frequency attached by ClinVar (database versions not stated): 1000 Genomes Project 30x 0.01093; 1000 Genomes Project 0.01138; gnomAD 0.01982 and 0.02125; gnomAD exomes 0.02042 and 0.02920; ExAC 0.02110; TOPMed 0.02172; ESP Exome Variant Server 0.02483.
gnomAD v4.1: 45,436 of 1,611,398 alleles (2.8%); highest among the groups gnomAD compares: Non-Finnish European, 3.4%; 795 homozygotes.

Submissions (19):

Myriad Genetics, Inc.
Classification: Benign for Gastrointestinal stromal tumor. Last evaluated: 2026-06-04. Review status: criteria provided, single submitter. Criteria: Myriad Autosomal Dominant, Autosomal Recessive and X-Linked Classification Criteria (2023). Collection method: clinical testing. Allele origin: unknown.
Comment: This variant is considered benign. This variant is a silent/synonymous amino acid change and it is not expected to impact splicing.

Labcorp Genetics (formerly Invitae), Labcorp
Classification: Benign for Gastrointestinal stromal tumor. Last evaluated: 2026-02-04. Review status: criteria provided, single submitter. Criteria: Invitae Variant Classification Sherloc (09022015). Collection method: clinical testing. Allele origin: germline.

ARUP Laboratories, Molecular Genetics and Genomics, ARUP Laboratories
Classification: Benign. Last evaluated: 2025-07-15. Review status: criteria provided, single submitter. Criteria: ARUP Molecular Germline Variant Investigation Process 2024. Collection method: clinical testing. Allele origin: germline.

Mayo Clinic Laboratories, Mayo Clinic
Classification: Likely benign. Last evaluated: 2025-01-20. Review status: criteria provided, single submitter. Criteria: ACMG Guidelines, 2015. Collection method: clinical testing. Allele origin: germline. Observed: 24 variant alleles.
Comment: BS1, BP4, BP7

Genomic Medicine Center of Excellence, King Faisal Specialist Hospital and Research Centre
Classification: Benign for Gastrointestinal stromal tumor. Last evaluated: 2024-12-19. Review status: criteria provided, single submitter. Criteria: ACMG Guidelines, 2015. Collection method: clinical testing. Allele origin: germline.

Blueprint Genetics
Classification: Benign. Last evaluated: 2024-11-26. Review status: criteria provided, single submitter. Criteria: ACMG Guidelines, 2015. Collection method: clinical testing. Allele origin: germline.

Molecular Diagnostics Laboratory, Catalan Institute of Oncology
Classification: Benign for Hereditary cancer-predisposing syndrome. Last evaluated: 2024-11-18. Review status: criteria provided, single submitter. Criteria: ACMG Guidelines, 2015. Collection method: clinical testing. Allele origin: germline.
Comment: BA1, BP4, BP7 c.2394C>T, located in exon 17 of the KIT gene, is predicted to result in no amino acid change, p.(Ile798=) (BP7). This variant is found in 5369/267938 (77 homozygous), with a filter allele frequency of 1.94% at 99% confidence in the gnomAD v2.1.1 database (non-cancer data set)(BA1). The SpliceAI algorithm predicts no significant impact on splicing (BP4). To our knowledge, no relevant functional studies has been reported for this variant. This variant has been reported in the ClinVar database (4 likely benign, 10x benign). Based on currently available information, c.2394C>T is classified as a benign variant according to ACMG guidelines.

KCCC/NGS Laboratory, Kuwait Cancer Control Center
Classification: Benign for Gastrointestinal stromal tumor. Last evaluated: 2023-07-07. Review status: criteria provided, single submitter. Criteria: ACMG Guidelines, 2015. Collection method: clinical testing. Allele origin: germline. Affected: yes.

Sema4
Classification: Benign for Hereditary cancer-predisposing syndrome. Last evaluated: 2021-04-29. Review status: criteria provided, single submitter. Criteria: Sema4 Curation Guidelines. Collection method: curation. Allele origin: germline.

GeneDx
Classification: Likely benign. Last evaluated: 2020-08-24. Review status: criteria provided, single submitter. Criteria: GeneDx Variant Classification Process June 2021. Collection method: clinical testing. Allele origin: germline. Affected: yes.

Ambry Genetics
Classification: Benign for Hereditary cancer-predisposing syndrome. Last evaluated: 2019-05-08. Review status: criteria provided, single submitter. Criteria: Ambry Variant Classification Scheme 2023. Collection method: clinical testing. Allele origin: germline.

Illumina Laboratory Services, Illumina
Classification: Benign for Gastrointestinal stromal tumor. Last evaluated: 2018-01-13. Review status: criteria provided, single submitter. Criteria: ICSL Variant Classification Criteria 13 December 2019. Collection method: clinical testing. Allele origin: germline.
Comment: This variant was observed in the ICSL laboratory as part of a predisposition screen in an ostensibly healthy population. It had not been previously curated by ICSL or reported in the Human Gene Mutation Database (HGMD: prior to June 1st, 2018), and was therefore a candidate for classification through an automated scoring system. Utilizing variant allele frequency, disease prevalence and penetrance estimates, and inheritance mode, an automated score was calculated to assess if this variant is too frequent to cause the disease. Based on the score and internal cut-off values, a variant classified as benign is not then subjected to further curation. The score for this variant resulted in a classification of benign for this disease.

Illumina Laboratory Services, Illumina
Classification: Benign for Cutaneous mastocytosis. Last evaluated: 2018-01-13. Review status: criteria provided, single submitter. Criteria: ICSL Variant Classification Criteria 13 December 2019. Collection method: clinical testing. Allele origin: germline.
Comment: the same text as in the submission from Illumina Laboratory Services, Illumina above.

Illumina Laboratory Services, Illumina
Classification: Likely benign for Piebaldism. Last evaluated: 2018-01-13. Review status: criteria provided, single submitter. Criteria: ICSL Variant Classification Criteria 13 December 2019. Collection method: clinical testing. Allele origin: germline.
Comment: This variant was observed in the ICSL laboratory as part of a predisposition screen in an ostensibly healthy population. It had not been previously curated by ICSL or reported in the Human Gene Mutation Database (HGMD: prior to June 1st, 2018), and was therefore a candidate for classification through an automated scoring system. Utilizing variant allele frequency, disease prevalence and penetrance estimates, and inheritance mode, an automated score was calculated to assess if this variant is too frequent to cause the disease. Based on the score and internal cut-off values, a variant classified as likely benign is not then subjected to further curation. The score for this variant resulted in a classification of likely benign for this disease.

Breakthrough Genomics
Classification: Likely benign. Review status: criteria provided, single submitter. Criteria: ACMG Guidelines, 2015. Collection method: not provided. Allele origin: germline. Inheritance: Autosomal dominant inheritance. Affected: yes.

PreventionGenetics, part of Exact Sciences
Classification: Benign. Review status: criteria provided, single submitter. Criteria: ACMG Guidelines, 2015. Collection method: clinical testing. Allele origin: germline.

Genome Diagnostics Laboratory, Amsterdam University Medical Center
Classification: Benign. Review status: no assertion criteria provided. Collection method: clinical testing. Allele origin: germline. Affected: yes. Study: VKGL Data-share Consensus. Not counted in ClinVar's aggregate classification.

Joint Genome Diagnostic Labs from Nijmegen and Maastricht, Radboudumc and MUMC+
Classification: Benign. Review status: no assertion criteria provided. Collection method: clinical testing. Allele origin: germline. Affected: yes. Study: VKGL Data-share Consensus. Not counted in ClinVar's aggregate classification.

Laboratory of Diagnostic Genome Analysis, Leiden University Medical Center (LUMC)
Classification: Likely benign. Review status: no assertion criteria provided. Collection method: clinical testing. Allele origin: germline. Affected: yes. Study: VKGL Data-share Consensus. Not counted in ClinVar's aggregate classification.

NM_000222.3(KIT):c.2394C>T (p.Ile798=)

Gene: KIT (KIT proto-oncogene, receptor tyrosine kinase; plus strand). Cytogenetic location: 4q12.
Variant type: single nucleotide variant.
Coding change: c.2394C>T on transcript NM_000222.3 (MANE Select); coding-DNA position 2394, C replaced by T.
Protein change: p.Ile798=; no amino-acid change (isoleucine 798 retained).
Molecular consequence: synonymous variant.
Genome position (GRCh38, 1-based): chr4:54,733,102, C>T. VCF-style: chr4-54733102-C-T. GRCh37 (hg19) VCF-style: chr4-55599268-C-T.
Other names: p.Ile798=; c.2382C>T, p.Ile794= (NM_001093772.2, NM_001385292.1); c.2397C>T, p.Ile799= (NM_001385284.1); c.2391C>T, p.Ile797= (NM_001385285.1); c.2379C>T, p.Ile793= (NM_001385286.1); c.2385C>T, p.Ile795= (NM_001385288.1); c.2394C>T, p.Ile798= (NM_001385290.1).
Identifiers: ClinVar variation 255571 (VCV000255571.36), dbSNP rs55789615, ClinGen allele CA2923769.